The following is an entry in ClinVar:

ClinVar aggregate classification (germline): Uncertain significance (1 of 4 stars; one submission).

Conditions:
Arrhythmogenic right ventricular dysplasia 5. Also called: Arrhythmogenic Right Ventricular Dysplasia/Cardiomyopathy 5; ARRHYTHMOGENIC RIGHT VENTRICULAR DYSPLASIA, FAMILIAL, 5. Identifiers: MedGen C1858379, MONDO:0011459, OMIM 604400.

Submission:

Labcorp Genetics (formerly Invitae), Labcorp
Classification: Uncertain significance for Arrhythmogenic right ventricular dysplasia 5. Last evaluated: 2022-07-15. Review status: criteria provided, single submitter. Criteria: Invitae Variant Classification Sherloc (09022015). Collection method: clinical testing. Allele origin: germline.
Comment: This variant, c.467_469del, results in the deletion of 1 amino acid(s) of the TMEM43 protein (p.Ile156del), but otherwise preserves the integrity of the reading frame. This variant is not present in population databases (gnomAD no frequency). This variant has not been reported in the literature in individuals affected with TMEM43-related conditions. ClinVar contains an entry for this variant (Variation ID: 662570). Experimental studies and prediction algorithms are not available or were not evaluated, and the functional significance of this variant is currently unknown. In summary, the available evidence is currently insufficient to determine the role of this variant in disease. Therefore, it has been classified as a Variant of Uncertain Significance.

NM_024334.3(TMEM43):c.464TCA[1] (p.Ile156del)

Gene: TMEM43 (transmembrane protein 43; plus strand). Cytogenetic location: 3p25.1.
Variant type: Microsatellite.
Coding change: c.464TCA[1] on transcript NM_024334.3 (MANE Select); one copy of the 3-base unit TCA starting at c.464; the reference has two copies in a row; one copy, 3 bases deleted.
Protein change: p.Ile156del; deletes isoleucine 156.
Molecular consequence: inframe deletion.
Genome position (GRCh38, 1-based): chr3:14,132,890-14,132,892, TCA deleted; deleting any 3 consecutive bases within chr3:14,132,886-14,132,892 gives the same sequence; the position shown is the placement nearest the transcript's 3' end. VCF-style (leftmost placement, unchanged base first): chr3-14132885-AATC-A. GRCh37 (hg19) VCF-style: chr3-14174385-AATC-A.
Other names: c.467_469delTCA (NM_024334.2); short protein forms I156del.
Identifiers: ClinVar variation 662570 (VCV000662570.8), dbSNP rs1574938257, ClinGen allele CA915941870.